The following is an entry in ClinVar:

ClinVar aggregate classification (germline): Uncertain significance (1 of 4 stars; one submission).

Submission:

Labcorp Genetics (formerly Invitae), Labcorp
Classification: Uncertain significance. Last evaluated: 2022-02-14. Review status: criteria provided, single submitter. Criteria: Invitae Variant Classification Sherloc (09022015). Collection method: clinical testing. Allele origin: germline.
Comment: This variant, c.139_141del, results in the deletion of 1 amino acid(s) of the GHRHR protein (p.Glu47del), but otherwise preserves the integrity of the reading frame. This variant is present in population databases (rs773323831, gnomAD 0.01%). This variant has not been reported in the literature in individuals affected with GHRHR-related conditions. Experimental studies and prediction algorithms are not available or were not evaluated, and the functional significance of this variant is currently unknown. In summary, the available evidence is currently insufficient to determine the role of this variant in disease. Therefore, it has been classified as a Variant of Uncertain Significance.

NM_000823.4(GHRHR):c.136GAG[1] (p.Glu47del)

Gene: GHRHR (growth hormone releasing hormone receptor; plus strand). Cytogenetic location: 7p14.3.
Variant type: Microsatellite.
Coding change: c.136GAG[1] on transcript NM_000823.4 (MANE Select); one copy of the 3-base unit GAG starting at c.136; the reference has two copies in a row; one copy, 3 bases deleted.
Protein change: p.Glu47del; deletes glutamic acid 47.
Molecular consequence: inframe deletion.
Genome position (GRCh38, 1-based): chr7:30,968,915-30,968,917, GAG deleted; deleting any 3 consecutive bases within chr7:30,968,912-30,968,917 gives the same sequence; the position shown is the placement nearest the transcript's 3' end. VCF-style (leftmost placement, unchanged base first): chr7-30968911-AGAG-A. GRCh37 (hg19) VCF-style: chr7-31008526-AGAG-A.
Other names: short protein forms E47del.
Identifiers: ClinVar variation 2157957 (VCV002157957.1), dbSNP rs773323831, ClinGen allele CA4208399.